The following is an entry in ClinVar:

ClinVar aggregate classification (germline): Likely pathogenic (1 of 4 stars; one submission).

Conditions:
Hereditary cancer-predisposing syndrome. Also called: Neoplastic Syndromes, Hereditary; Tumor predisposition; Hereditary neoplastic syndrome; Hereditary Cancer Syndrome. Identifiers: Orphanet 140162, MedGen C0027672, MeSH D009386, MONDO:0015356.
Cardiovascular phenotype. Identifiers: MedGen CN230736.

Submission:

Ambry Genetics
Classification: Likely pathogenic for Cardiovascular phenotype; Hereditary cancer-predisposing syndrome. Last evaluated: 2024-12-23. Review status: criteria provided, single submitter. Criteria: Ambry Variant Classification Scheme 2023. Collection method: clinical testing. Allele origin: germline.
Comment: The c.2353_2360delGCACTGGAinsTG variant, located in coding exon 20 of the LZTR1 gene, results from an in-frame deletion of GCACTGGA and insertion of TG at nucleotide positions 2353 to 2360. This results in the substitution of the residue for a cysteine residue at codon 785, an amino acid with highly similar properties. This alteration has been observed in at least one individual with a personal and/or family history that is consistent with LZTR1-related disease (Ambry internal data). In silico splice site analysis predicts that this alteration will not have any significant effect on splicing; however, RNA studies have demonstrated that this alteration results in abnormal splicing in the set of samples tested (Ambry internal data). This variant is considered to be rare based on population cohorts in the Genome Aggregation Database (gnomAD). Based on the supporting evidence, this variant is likely pathogenic for an increased risk of LZTR1-related schwannomatosis (SWN) and would be expected to cause autosomal recessive Noonan syndrome when present along with a second pathogenic or likely pathogenic variant on the other allele.

NM_006767.4(LZTR1):c.2353_2360delinsTG (p.Ala785_Asp787delinsCys)

Gene: LZTR1 (leucine zipper like post translational regulator 1; plus strand). Cytogenetic location: 22q11.21.
Variant type: Indel.
Coding change: c.2353_2360delinsTG on transcript NM_006767.4 (MANE Select); coding-DNA positions 2353 to 2360, GCACTGGA replaced by TG.
Protein change: p.Ala785_Asp787delinsCys.
Molecular consequence: inframe indel.
Genome position (GRCh38, 1-based): chr22:20,996,913-20,996,920, GCACTGGA replaced by TG. VCF-style: chr22-20996913-GCACTGGA-TG. GRCh37 (hg19) VCF-style: chr22-21351202-GCACTGGA-TG.
Identifiers: ClinVar variation 3238233 (VCV003238233.2), dbSNP rs2518626034.
Genomic context (GRCh38, chr22:20,996,913, plus strand): 5'-AGGGGCAGCGCCTCAAGGTCCCTGCCATTGCAGATCCTGGAGGCAGCTGACAAAACGCAG[GCACTGGA>TG]CATGAAGCGGCACTGCCTGCACATCATTGTGCACCAGTTCACCAAGGTCAGGGCTCTGGC-3'